The following is an entry in ClinVar:

ClinVar aggregate classification (germline): Uncertain significance (1 of 4 stars; one submission).

Submission:

GeneDx
Classification: Uncertain significance. Last evaluated: 2026-03-02. Review status: criteria provided, single submitter. Criteria: GeneDx Variant Classification Process June 2021. Collection method: clinical testing. Allele origin: germline.
Comment: Not observed at significant frequency in large population cohorts (gnomAD); In silico analysis supports that this missense variant has a deleterious effect on protein structure/function; Has not been previously published as pathogenic or benign to our knowledge; This variant is associated with the following publications: (PMID: 21376300, 21820098, 26125038)

NM_001244008.2(KIF1A):c.5158C>T (p.Leu1720Phe)

Gene: KIF1A (kinesin family member 1A; minus strand). Cytogenetic location: 2q37.3.
Variant type: single nucleotide variant.
Coding change: c.5158C>T on transcript NM_001244008.2 (MANE Select); coding-DNA position 5158, C replaced by T.
Protein change: p.Leu1720Phe; replaces leucine 1720 with phenylalanine.
Molecular consequence: missense variant.
Genome position (GRCh38, 1-based): chr2:240,719,062, G>A on the plus strand (C>T on the coding strand, the complement: KIF1A is on the minus strand). VCF-style: chr2-240719062-G-A. GRCh37 (hg19) VCF-style: chr2-241658479-G-A.
Other names: c.4882C>T, p.Leu1628Phe (NM_001320705.2, NM_001379649.1); c.4879C>T, p.Leu1627Phe (NM_001379639.1); c.4852C>T, p.Leu1618Phe (NM_001379640.1); c.4855C>T, p.Leu1619Phe (NM_001379641.1, NM_001379650.1, NM_001379651.1 and 2 more transcripts); c.5158C>T, p.Leu1720Phe (NM_001379642.1); c.5131C>T, p.Leu1711Phe (NM_001379645.1, NM_001379633.1); c.4981C>T, p.Leu1661Phe (NM_001379646.1, NM_001379635.1); c.4957C>T, p.Leu1653Phe (NM_001379648.1, NM_001330290.2); and 7 more; short protein forms L1618F, L1619F, L1627F, L1628F, L1636F, L1637F, L1644F, L1653F.
Identifiers: ClinVar variation 4281895 (VCV004281895.2).
Genomic context (GRCh38, chr2:240,719,062, plus strand): 5'-GCACCTTGAGCATAGCCTGCTGGTCCTCACTGTACTCCACCTGGGCAGTGGCCAGGTTGA[G>A]CACGAACCGCTCCACGGTGTCCTTGTCGCTGTTGTACATGTAGGCATAGGGGCGCCGCAC-3'
Protein context (NP_001230937.1, residues 1710-1730): SDKDTVERFV[Leu1720Phe]NLATAQVEYS